The following is an entry in ClinVar:

NM_000392.5(ABCC2):c.2901C>A (p.Tyr967Ter)

Gene: ABCC2 (ATP binding cassette subfamily C member 2; plus strand). Cytogenetic location: 10q24.2.
Variant type: single nucleotide variant.
Coding change: c.2901C>A on transcript NM_000392.5 (MANE Select); coding-DNA position 2901, C replaced by A.
Protein change: p.Tyr967Ter; replaces tyrosine 967 with a stop codon.
Molecular consequence: nonsense.
Genome position (GRCh38, 1-based): chr10:99,831,628, C>A. VCF-style: chr10-99831628-C-A. GRCh37 (hg19) VCF-style: chr10-101591385-C-A.
Other names: c.2901C>A, p.Tyr967Ter (LRG_1208t1); c.2901C>A (NM_000392.4); short protein forms Y967*.
Identifiers: ClinVar variation 195649 (VCV000195649.11), dbSNP rs17222547, ClinGen allele CA201872.

ClinVar aggregate classification (germline): Pathogenic. Review status: criteria provided, multiple submitters, no conflicts (2 of 4 stars). 3 submissions from 3 submitters: Pathogenic (2). 1 of the submissions does not count toward it. Last evaluated 2023-12-31.

Conditions:
ABCC2-related disorder. Also called: ABCC2-related condition.

Allele frequency attached by ClinVar (database versions not stated): gnomAD 0.00007 and 0.00009; ESP Exome Variant Server 0.00008; gnomAD exomes 0.00001 and 0.00002; ExAC 0.00002; TOPMed 0.00011.
gnomAD v4.1: 19 of 1,613,956 alleles (0.0012%); highest among the groups gnomAD compares: African/African-American, 0.019%; no homozygotes.

Submissions (3):

Labcorp Genetics (formerly Invitae), Labcorp
Classification: Pathogenic. Last evaluated: 2023-12-31. Review status: criteria provided, single submitter. Criteria: Invitae Variant Classification Sherloc (09022015). Collection method: clinical testing. Allele origin: germline.
Comment: This sequence change creates a premature translational stop signal (p.Tyr967*) in the ABCC2 gene. It is expected to result in an absent or disrupted protein product. Loss-of-function variants in ABCC2 are known to be pathogenic (PMID: 9185779, 16549534, 16952291). The frequency data for this variant in the population databases is considered unreliable, as metrics indicate poor data quality at this position in the gnomAD database. This variant has not been reported in the literature in individuals affected with ABCC2-related conditions. ClinVar contains an entry for this variant (Variation ID: 195649). Algorithms developed to predict the effect of sequence changes on RNA splicing suggest that this variant may disrupt the consensus splice site. For these reasons, this variant has been classified as Pathogenic.

Eurofins Ntd Llc (ga)
Classification: Pathogenic. Last evaluated: 2015-05-19. Review status: criteria provided, single submitter. Criteria: EGL Classification Definitions 2015. Collection method: clinical testing. Allele origin: germline. Observed: 1 variant allele, 1 heterozygote.

PreventionGenetics, part of Exact Sciences
Classification: Likely pathogenic for ABCC2-related condition. Last evaluated: 2024-04-10. Review status: no assertion criteria provided. Collection method: clinical testing. Allele origin: germline. Not counted in ClinVar's aggregate classification.
Comment: The ABCC2 c.2901C>A variant is predicted to result in premature protein termination (p.Tyr967*). This variant has been identified in a cohort with Dubin–Johnson syndrome (Table 3, Nies and Keppler, 2006, PubMed ID: 16847695). This variant is reported in 0.012% of alleles in individuals of African descent in gnomAD. Nonsense variants in ABCC2 are expected to be pathogenic. This variant is interpreted as likely pathogenic.

Literature cited by the submitters: PubMed 9185779 (cited by Labcorp Genetics (formerly Invitae), Labcorp); PubMed 16549534 (cited by Labcorp Genetics (formerly Invitae), Labcorp); PubMed 16952291 (cited by Labcorp Genetics (formerly Invitae), Labcorp).